The following is an entry in ClinVar:

NM_000218.3(KCNQ1):c.999T>G (p.Ser333=)

Gene: KCNQ1 (potassium voltage-gated channel subfamily Q member 1; plus strand). Cytogenetic location: 11p15.5.
Variant type: single nucleotide variant.
Coding change: c.999T>G on transcript NM_000218.3 (MANE Select); coding-DNA position 999, T replaced by G.
Protein change: p.Ser333=; no amino-acid change (serine 333 retained).
Molecular consequence: synonymous variant.
Genome position (GRCh38, 1-based): chr11:2,583,512, T>G. VCF-style: chr11-2583512-T-G. GRCh37 (hg19) VCF-style: chr11-2604742-T-G.
Other names: c.999T>G, p.Ser333= (NM_001406836.1); c.729T>G, p.Ser243= (NM_001406837.1); c.555T>G, p.Ser185= (NM_001406838.1); c.618T>G, p.Ser206= (NM_181798.2).
Identifiers: ClinVar variation 390829 (VCV000390829.59), dbSNP rs769230282, ClinGen allele CA041958.
Genomic context (GRCh38, chr11:2,583,512, plus strand): 5'-CGGCTATGGGGACAAGGTGCCCCAGACGTGGGTCGGGAAGACCATCGCCTCCTGCTTCTC[T>G]GTCTTTGCCATCTCCTTCTTTGCGCTCCCAGCGGTAGGTGCCCCGTGGGTGCGTTTTCCC-3'
Protein context (NP_000209.2, residues 323-343): WVGKTIASCF[Ser333=]VFAISFFALP

ClinVar aggregate classification (germline): Likely benign. Review status: criteria provided, multiple submitters, no conflicts (2 of 4 stars). 7 submissions from 7 submitters: Likely benign (7). Last evaluated 2025-11-22.

Conditions:
Cardiovascular phenotype. Identifiers: MedGen CN230736.
Cardiac arrhythmia. Also called: Cardiac rhythm disease; Arrhythmia. Identifiers: MedGen C0003811, MONDO:0007263, HP:0011675.
Long QT syndrome (LQTS). Identifiers: MedGen C0023976, MeSH D008133, MONDO:0002442. Disease mechanism: loss of function. Inheritance: Various modes of inheritance.

Allele frequency attached by ClinVar (database versions not stated): ExAC 0.00001; gnomAD 0.00001; gnomAD exomes 0.00001; TOPMed 0.00002.
gnomAD v4.1: 24 of 1,613,904 alleles (0.0015%); highest among the groups gnomAD compares: South Asian, 0.0022%; no homozygotes.

Submissions (7):

Labcorp Genetics (formerly Invitae), Labcorp
Classification: Likely benign for Long QT syndrome. Last evaluated: 2025-11-22. Review status: criteria provided, single submitter. Criteria: Invitae Variant Classification Sherloc (09022015). Collection method: clinical testing. Allele origin: germline.

Blueprint Genetics
Classification: Likely benign. Last evaluated: 2024-05-03. Review status: criteria provided, single submitter. Criteria: ACMG Guidelines, 2015. Collection method: clinical testing. Allele origin: germline.

All of Us Research Program, National Institutes of Health
Classification: Likely benign for Long QT syndrome. Last evaluated: 2024-02-05. Review status: criteria provided, single submitter. Criteria: ACMG Guidelines, 2015. Collection method: clinical testing. Allele origin: germline. Inheritance: Autosomal dominant inheritance. Observed: 13 variant alleles, 13 heterozygotes.
Comment: This study involves interpretation of variants in research participants for the purpose of population health screening. Participant phenotype was not available at the time of variant classification. Additional details can be found in publication PMID: 35346344, PMCID: PMC8962531

Ambry Genetics
Classification: Likely benign for Cardiovascular phenotype. Last evaluated: 2020-01-24. Review status: criteria provided, single submitter. Criteria: Ambry Variant Classification Scheme 2023. Collection method: clinical testing. Allele origin: germline.

GeneDx
Classification: Likely benign. Last evaluated: 2019-12-11. Review status: criteria provided, single submitter. Criteria: GeneDx Variant Classification Process June 2021. Collection method: clinical testing. Allele origin: germline. Affected: yes.

Color Diagnostics, LLC DBA Color Health
Classification: Likely benign for Arrhythmia. Last evaluated: 2019-04-08. Review status: criteria provided, single submitter. Criteria: ACMG Guidelines, 2015. Collection method: clinical testing. Allele origin: germline.

CeGaT Center for Human Genetics Tuebingen
Classification: Likely benign. Last evaluated: 2019-04-01. Review status: criteria provided, single submitter. Criteria: CeGaT Center For Human Genetics Tuebingen Variant Classification Criteria Version 2. Collection method: clinical testing. Allele origin: germline. Affected: yes. Observed: 1 variant allele.